The following is an entry in ClinVar:

ClinVar aggregate classification (germline): Uncertain significance (1 of 4 stars; one submission).

Allele frequency attached by ClinVar (database versions not stated): gnomAD exomes 0.00001; ExAC 0.00002.
gnomAD v4.1: 6 of 1,611,808 alleles (0.00037%); highest among the groups gnomAD compares: Middle Eastern, 0.017%; no homozygotes.

Submission:

Labcorp Genetics (formerly Invitae), Labcorp
Classification: Uncertain significance. Last evaluated: 2024-12-16. Review status: criteria provided, single submitter. Criteria: Invitae Variant Classification Sherloc (09022015). Collection method: clinical testing. Allele origin: germline.
Comment: This sequence change replaces histidine, which is basic and polar, with aspartic acid, which is acidic and polar, at codon 443 of the ATF6 protein (p.His443Asp). This variant is present in population databases (rs757042228, gnomAD 0.003%). This variant has not been reported in the literature in individuals affected with ATF6-related conditions. ClinVar contains an entry for this variant (Variation ID: 1445721). Invitae Evidence Modeling of protein sequence and biophysical properties (such as structural, functional, and spatial information, amino acid conservation, physicochemical variation, residue mobility, and thermodynamic stability) indicates that this missense variant is not expected to disrupt ATF6 protein function with a negative predictive value of 80%. In summary, the available evidence is currently insufficient to determine the role of this variant in disease. Therefore, it has been classified as a Variant of Uncertain Significance.

NM_007348.4(ATF6):c.1327C>G (p.His443Asp)

Gene: ATF6 (activating transcription factor 6; plus strand). Cytogenetic location: 1q23.3.
Variant type: single nucleotide variant.
Coding change: c.1327C>G on transcript NM_007348.4 (MANE Select); coding-DNA position 1327, C replaced by G.
Protein change: p.His443Asp; replaces histidine 443 with aspartic acid.
Molecular consequence: missense variant.
Genome position (GRCh38, 1-based): chr1:161,851,729, C>G. VCF-style: chr1-161851729-C-G. GRCh37 (hg19) VCF-style: chr1-161821519-C-G.
Other names: short protein forms H443D.
Identifiers: ClinVar variation 1445721 (VCV001445721.8), dbSNP rs757042228, ClinGen allele CA1214439.